The following is an entry in ClinVar:

ClinVar aggregate classification (germline): Uncertain significance (1 of 4 stars; one submission).

Submission:

Labcorp Genetics (formerly Invitae), Labcorp
Classification: Uncertain significance. Last evaluated: 2023-12-06. Review status: criteria provided, single submitter. Criteria: Invitae Variant Classification Sherloc (09022015). Collection method: clinical testing. Allele origin: germline.
Comment: This sequence change replaces lysine, which is basic and polar, with threonine, which is neutral and polar, at codon 736 of the ABCB7 protein (p.Lys736Thr). This variant is not present in population databases (gnomAD no frequency). This variant has not been reported in the literature in individuals affected with ABCB7-related conditions. An algorithm developed to predict the effect of missense changes on protein structure and function (PolyPhen-2) suggests that this variant is likely to be tolerated. In summary, the available evidence is currently insufficient to determine the role of this variant in disease. Therefore, it has been classified as a Variant of Uncertain Significance.

NM_001271696.3(ABCB7):c.2204A>C (p.Lys735Thr)

Gene: ABCB7 (ATP binding cassette subfamily B member 7; minus strand). Cytogenetic location: Xq13.3.
Variant type: single nucleotide variant.
Coding change: c.2204A>C on transcript NM_001271696.3 (MANE Select); coding-DNA position 2204, A replaced by C.
Protein change: p.Lys735Thr; replaces lysine 735 with threonine.
Molecular consequence: missense variant.
Genome position (GRCh38, 1-based): chrX:75,053,425, T>G on the plus strand (A>C on the coding strand, the complement: ABCB7 is on the minus strand). VCF-style: chrX-75053425-T-G. GRCh37 (hg19) VCF-style: chrX-74273260-T-G.
Other names: c.2084A>C, p.Lys695Thr (NM_001271697.3); c.2126A>C, p.Lys709Thr (NM_001271698.3); c.2087A>C, p.Lys696Thr (NM_001271699.3); c.2207A>C, p.Lys736Thr (NM_004299.6); short protein forms K736T, K709T, K695T, K696T, K735T.
Identifiers: ClinVar variation 2736877 (VCV002736877.3), dbSNP rs2519802442, ClinGen allele CA413671362.